The following is an entry in ClinVar:

NM_000541.5(SAG):c.93G>A (p.Gly31=)

Gene: SAG (S-antigen visual arrestin; plus strand). Cytogenetic location: 2q37.1.
Variant type: single nucleotide variant.
Coding change: c.93G>A on transcript NM_000541.5 (MANE Select); coding-DNA position 93, G replaced by A.
Protein change: p.Gly31=; no amino-acid change (glycine 31 retained).
Molecular consequence: synonymous variant.
Genome position (GRCh38, 1-based): chr2:233,316,092, G>A. VCF-style: chr2-233316092-G-A. GRCh37 (hg19) VCF-style: chr2-234224738-G-A.
Identifiers: ClinVar variation 811618 (VCV000811618.46), dbSNP rs79063407, ClinGen allele CA2174214.
Genomic context (GRCh38, chr2:233,316,092, plus strand): 5'-TAGCATTCTTTGGCCCTTAGACCCACACCTGTTCTTCTTGCAGGTGACCATCTACCTGGG[G>A]AACAGAGACTACATAGACCATGTCAGCCAAGTCCAGCCTGTGGGTAAGTTGCTTGGAGAA-3'
Protein context (NP_000532.2, residues 21-41): SRDKSVTIYL[Gly31=]NRDYIDHVSQ

ClinVar aggregate classification (germline): Benign. Review status: criteria provided, multiple submitters, no conflicts (2 of 4 stars). 6 submissions from 5 submitters: Benign (6). Last evaluated 2026-06-01.

Conditions:
Retinitis pigmentosa (RP). Identifiers: Orphanet 791, MedGen C0035334, MeSH D012174, MONDO:0019200, OMIM 268000. Inheritance: Autosomal dominant, autosomal recessive and X linked inheritance.
Oguchi disease. Also called: Oguchi's disease. Identifiers: Orphanet 75382, MedGen C1306122, MONDO:0019152.

Allele frequency attached by ClinVar (database versions not stated): 1000 Genomes Project 0.00200; 1000 Genomes Project 30x 0.00281; gnomAD exomes 0.00724 and 0.01144; TOPMed 0.00730; gnomAD 0.00781 and 0.00807; ESP Exome Variant Server 0.00908; ExAC 0.01358.
gnomAD v4.1: 17,558 of 1,596,266 alleles (1.1%); highest among the groups gnomAD compares: Non-Finnish European, 1.4%; 139 homozygotes.

Submissions (6):

CeGaT Center for Human Genetics Tuebingen
Classification: Benign. Last evaluated: 2026-06-01. Review status: criteria provided, single submitter. Criteria: CeGaT Center For Human Genetics Tuebingen Variant Classification Criteria Version 2. Collection method: clinical testing. Allele origin: germline. Affected: yes. Observed: 8 variant alleles.
Comment: SAG: BP4, BP7, BS1, BS2

Labcorp Genetics (formerly Invitae), Labcorp
Classification: Benign. Last evaluated: 2026-02-01. Review status: criteria provided, single submitter. Criteria: Invitae Variant Classification Sherloc (09022015). Collection method: clinical testing. Allele origin: germline.

ARUP Laboratories, Molecular Genetics and Genomics, ARUP Laboratories
Classification: Benign. Last evaluated: 2023-11-03. Review status: criteria provided, single submitter. Criteria: ARUP Molecular Germline Variant Investigation Process 2024. Collection method: clinical testing. Allele origin: germline.

Illumina Laboratory Services, Illumina
Classification: Benign for Retinitis pigmentosa. Last evaluated: 2017-05-14. Review status: criteria provided, single submitter. Criteria: ICSL Variant Classification Criteria 13 December 2019. Collection method: clinical testing. Allele origin: germline.
Comment: This variant was observed as part of a predisposition screen in an ostensibly healthy population. A literature search was performed for the gene, cDNA change, and amino acid change (where applicable). No publications were found based on this search. Allele frequency data from public databases was too high to be consistent with this variant causing disease. Therefore, this variant is classified as benign.

Illumina Laboratory Services, Illumina
Classification: Benign for Oguchi disease-1. Last evaluated: 2017-05-14. Review status: criteria provided, single submitter. Criteria: ICSL Variant Classification Criteria 13 December 2019. Collection method: clinical testing. Allele origin: germline.
Comment: the same text as in the submission from Illumina Laboratory Services, Illumina above.

Breakthrough Genomics
Classification: Benign. Review status: criteria provided, single submitter. Criteria: ACMG Guidelines, 2015. Collection method: not provided. Allele origin: germline. Inheritance: Autosomal recessive inheritance. Affected: yes.